The following is an entry in ClinVar:

NM_201384.3(PLEC):c.1979C>T (p.Ala660Val)

Gene: PLEC (plectin; minus strand). Cytogenetic location: 8q24.3.
Variant type: single nucleotide variant.
Coding change: c.1979C>T on transcript NM_201384.3 (MANE Select); coding-DNA position 1979, C replaced by T.
Protein change: p.Ala660Val; replaces alanine 660 with valine.
Molecular consequence: missense variant.
Genome position (GRCh38, 1-based): chr8:143,932,233, G>A on the plus strand (C>T on the coding strand, the complement: PLEC is on the minus strand). VCF-style: chr8-143932233-G-A. GRCh37 (hg19) VCF-style: chr8-145006401-G-A.
Other names: c.2060C>T, p.Ala687Val (NM_000445.5); c.1937C>T, p.Ala646Val (NM_201378.4); c.1913C>T, p.Ala638Val (NM_201379.3); c.2390C>T, p.Ala797Val (NM_201380.4); c.1883C>T, p.Ala628Val (NM_201381.3); c.1979C>T, p.Ala660Val (NM_201382.4); c.1991C>T, p.Ala664Val (NM_201383.3); short protein forms A628V, A638V, A646V, A660V, A664V, A687V, A797V.
Identifiers: ClinVar variation 430191 (VCV000430191.11), dbSNP rs782079821, ClinGen allele CA4927737.
Genomic context (GRCh38, chr8:143,932,233, plus strand): 5'-TCCCCAGCATTTTGGAGCTCCTTGATCTTCTTCTCCTTCAGCTCCAGCTCCCGCATCAGC[G>A]CCTGGCACCAGAGCAAAGGGTCTCAGGGACGGCCGGCCACACCCGGCTCTGCCACGCTCC-3'
Protein context (NP_958786.1, residues 650-670): NMTAKKESYS[Ala660Val]LMRELELKEK

ClinVar aggregate classification (germline): Uncertain significance. Review status: criteria provided, multiple submitters, no conflicts (2 of 4 stars). 3 submissions from 3 submitters: Uncertain significance (3). Last evaluated 2024-01-22.

Conditions:
Autosomal recessive limb-girdle muscular dystrophy type 2Q (LGMDR17). Also called: MUSCULAR DYSTROPHY, LIMB-GIRDLE, AUTOSOMAL RECESSIVE 17. Identifiers: Orphanet 254361, MedGen C3150989, MONDO:0013390, OMIM 613723.
Epidermolysis bullosa simplex 5B, with muscular dystrophy (EBS5B). Also called: EPIDERMOLYSIS BULLOSA SIMPLEX AND LIMB-GIRDLE MUSCULAR DYSTROPHY; Epidermolysis bullosa simplex with muscular dystrophy. Identifiers: Orphanet 257, MedGen C2931072, MONDO:0009181, OMIM 226670.
Epidermolysis bullosa simplex with nail dystrophy (EBS5D). Identifiers: MedGen C4225309, MONDO:0014661, OMIM 616487.
Epidermolysis bullosa simplex 5C, with pyloric atresia (EBS5C). Also called: PLEC-Related Epidermolysis Bullosa with Pyloric Atresia; PLEC1-Related Epidermolysis Bullosa with Pyloric Atresia; Epidermolysis bullosa simplex with pyloric atresia. Identifiers: Orphanet 158684, MedGen C2677349, MONDO:0012807, OMIM 612138.
Epidermolysis bullosa simplex, Ogna type (EBS5A). Also called: Pidermolysis bullosa simplex 5A, Ogna type; EPIDERMOLYSIS BULLOSA SIMPLEX 5A, OGNA TYPE. Identifiers: Orphanet 79401, MedGen C0432317, MONDO:0007555, OMIM 131950.

Allele frequency attached by ClinVar (database versions not stated): TOPMed below 0.00001; ExAC 0.00001; gnomAD 0.00001 and 0.00002; gnomAD exomes 0.00001 and 0.00002.
gnomAD v4.1: 34 of 1,612,124 alleles (0.0021%); highest among the groups gnomAD compares: Non-Finnish European, 0.0025%; no homozygotes.

Submissions (3):

Labcorp Genetics (formerly Invitae), Labcorp
Classification: Uncertain significance for Autosomal recessive limb-girdle muscular dystrophy type 2Q; Epidermolysis bullosa simplex, Ogna type; Epidermolysis bullosa simplex with nail dystrophy; Epidermolysis bullosa simplex 5C, with pyloric atresia; Epidermolysis bullosa simplex 5B, with muscular dystrophy. Last evaluated: 2024-01-22. Review status: criteria provided, single submitter. Criteria: Invitae Variant Classification Sherloc (09022015). Collection method: clinical testing. Allele origin: germline.
Comment: This sequence change replaces alanine, which is neutral and non-polar, with valine, which is neutral and non-polar, at codon 687 of the PLEC protein (p.Ala687Val). This variant is present in population databases (rs782079821, gnomAD 0.007%). This variant has not been reported in the literature in individuals affected with PLEC-related conditions. ClinVar contains an entry for this variant (Variation ID: 430191). Experimental studies and prediction algorithms are not available or were not evaluated, and the functional significance of this variant is currently unknown. In summary, the available evidence is currently insufficient to determine the role of this variant in disease. Therefore, it has been classified as a Variant of Uncertain Significance.

Blueprint Genetics
Classification: Uncertain significance. Last evaluated: 2024-01-10. Review status: criteria provided, single submitter. Criteria: ACMG Guidelines, 2015. Collection method: clinical testing. Allele origin: germline.

GeneDx
Classification: Uncertain significance. Last evaluated: 2017-05-18. Review status: criteria provided, single submitter. Criteria: GeneDx Variant Classification (06012015). Collection method: clinical testing. Allele origin: germline. Affected: yes.
Comment: A variant of uncertain significance has been identified in the PLEC gene. The A687V variant has not been published as a pathogenic variant, nor has it been reported as a benign variant to our knowledge. The A687V variant is not observed at a significant frequency in large population cohorts (Lek et al., 2016; 1000 Genomes Consortium et al., 2015; Exome Variant Server). The A687V variant is a conservative amino acid substitution, which is not likely to impact secondary protein structure as these residues share similar properties. This substitution occurs at a position, where amino acids with similar properties to Alanine are tolerated across species. However, in silico analysis is inconsistent in its predictions as to whether or not the variant is damaging to the protein structure/function. Therefore, based on the currently available information, it is unclear whether this variant is a pathogenic variant or a rare benign variant.